The following is an entry in ClinVar:

NM_015261.3(NCAPD3):c.1727G>A (p.Gly576Asp)

Gene: NCAPD3 (non-SMC condensin II complex subunit D3; minus strand). Cytogenetic location: 11q25.
Variant type: single nucleotide variant.
Coding change: c.1727G>A on transcript NM_015261.3 (MANE Select); coding-DNA position 1727, G replaced by A.
Protein change: p.Gly576Asp; replaces glycine 576 with aspartic acid.
Molecular consequence: missense variant.
Genome position (GRCh38, 1-based): chr11:134,194,113, C>T on the plus strand (G>A on the coding strand, the complement: NCAPD3 is on the minus strand). VCF-style: chr11-134194113-C-T. GRCh37 (hg19) VCF-style: chr11-134064008-C-T.
Other names: c.1727G>A, p.Gly576Asp (NM_001372065.1, NM_001372068.1); c.1313G>A, p.Gly438Asp (NM_001372069.1, NM_001372070.1); short protein forms G576D, G438D.
Identifiers: ClinVar variation 714503 (VCV000714503.8), dbSNP rs73603039, ClinGen allele CA6371536.
Genomic context (GRCh38, chr11:134,194,113, plus strand): 5'-CGGACAGACACTGCAGGGTCCCGACACTGGTCCTGCAGAATCCACAGGTCTTCCTTCATG[C>T]CTGAGACATCACAGTGTTTCAAAATACTCACTAATACCTAGAAGGCATAGACGCAACATG-3'
Protein context (NP_056076.1, residues 566-586): VSILKHCDVS[Gly576Asp]MKEDLWILQD

ClinVar aggregate classification (germline): Benign. Review status: criteria provided, multiple submitters, no conflicts (2 of 4 stars). 4 submissions from 4 submitters: Benign (2). 2 of the submissions do not count toward it. Last evaluated 2019-12-31.

Conditions:
NCAPD3-related disorder. Also called: NCAPD3-related condition.
Intellectual disability. Also called: Intellectual functioning disability; intellectual disabilities; Intellectual developmental disorder. Identifiers: MedGen C3714756, MeSH D008607, MONDO:0001071, HP:0001249.

Allele frequency attached by ClinVar (database versions not stated): TOPMed 0.00702; 1000 Genomes Project 30x 0.00796; gnomAD 0.00634 and 0.00680; gnomAD exomes 0.00058 and 0.00151; ESP Exome Variant Server 0.00639; 1000 Genomes Project 0.00739; ExAC 0.00185.
gnomAD v4.1: 1,844 of 1,614,136 alleles (0.11%); highest among the groups gnomAD compares: African/African-American, 2.2%; 23 homozygotes.

Submissions (4):

Labcorp Genetics (formerly Invitae), Labcorp
Classification: Benign. Last evaluated: 2019-12-31. Review status: criteria provided, single submitter. Criteria: Invitae Variant Classification Sherloc (09022015). Collection method: clinical testing. Allele origin: germline.

Breakthrough Genomics
Classification: Benign. Review status: criteria provided, single submitter. Criteria: ACMG Guidelines, 2015. Collection method: not provided. Allele origin: germline. Inheritance: Autosomal recessive inheritance. Affected: yes.

PreventionGenetics, part of Exact Sciences
Classification: Benign for NCAPD3-related condition. Last evaluated: 2019-02-22. Review status: no assertion criteria provided. Collection method: clinical testing. Allele origin: germline. Not counted in ClinVar's aggregate classification.
Comment: This variant is classified as benign based on ACMG/AMP sequence variant interpretation guidelines (Richards et al. 2015 PMID: 25741868, with internal and published modifications).

Centre de Biologie Pathologie Génétique, Centre Hospitalier Universitaire de Lille
Classification: Likely benign for Intellectual disability. Last evaluated: 2019-01-01. Review status: no assertion criteria provided. Collection method: clinical testing. Allele origin: inherited. Affected: yes. Not counted in ClinVar's aggregate classification.